The following is an entry in ClinVar:

ClinVar aggregate classification (germline): Conflicting classifications of pathogenicity. Review status: criteria provided, conflicting classifications (1 of 4 stars). 3 submissions from 3 submitters: Uncertain significance (2); Likely benign (1). Last evaluated 2025-10-22.

Conditions:
TP63-Related Spectrum Disorders.
Ankyloblepharon-ectodermal defects-cleft lip/palate syndrome. Also called: Ankyloblepharon-Ectodermal Defects-Cleft Lip/Palate Syndrome (AEC Syndrome); Hay-Wells syndrome of ectodermal dysplasia; AEC SYNDROME; HAY-WELLS SYNDROME; Ankyloblepharon-ectodermal defects, cleft lip/palate. Identifiers: Orphanet 1071, MedGen C0406709, MONDO:0007124, OMIM 106260.
Rapp-Hodgkin syndrome (RHS). Also called: Isolated Cleft Lip/Cleft Palate (Orofacial Cleft 8); ECTODERMAL DYSPLASIA, ANHIDROTIC, WITH CLEFT LIP/PALATE; Rapp-Hodgkin ectodermal dysplasia syndrome. Identifiers: MedGen C1785148, MONDO:0007508, OMIM 129400.
Orofacial cleft 8. Also called: Cleft lip with or without cleft palate, nonsyndromic, 8. Identifiers: MedGen C1851878, MONDO:0029145, OMIM 618149.
Ectrodactyly, ectodermal dysplasia, and cleft lip-palate syndrome 3. Also called: Ectrodactyly, Ectodermal Dysplasia, Clefting Syndrome Type 3 (EEC3); Ectrodactyly, Ectodermal Dysplasia, Clefting Syndrome; EEC SYNDROME 3; Ectrodactyly, Ectodermal Dysplasia, Cleft Lip/Palate Syndrome 3 (EEC3). Identifiers: Orphanet 1896, MedGen C1858562, MONDO:0011428, OMIM 604292.
Premature ovarian failure 21 (POF21). Identifiers: MedGen C5830399, MONDO:0957216, OMIM 620311.
ADULT syndrome. Also called: Acro-dermato-ungual-lacrimal-tooth (adult) syndrome; Acro-Dermo-Ungual-Lacrimal-Tooth Syndrome (ADULT Syndrome); ACRO-DERMATO-UNGUAL-LACRIMAL-TOOTH SYNDROME. Identifiers: Orphanet 978, MedGen C1863204, MONDO:0007072, OMIM 103285.
Split hand-foot malformation 4. Also called: Split-Hand/Foot Malformation Type 4 (SHFM4 syndrome); Split-Hand/Foot Malformation Type 4 (SHFM4). Identifiers: Orphanet 2440, MedGen C1854442, MONDO:0011535, OMIM 605289.
Limb-mammary syndrome (LMS). Also called: Mammary hypoplasia, ectrodactyly, and other hand/foot anomalies. Identifiers: Orphanet 69085, MedGen C1863753, MONDO:0011334, OMIM 603543.
Inborn genetic diseases. Identifiers: MedGen C0950123, MeSH D030342.

Allele frequency attached by ClinVar (database versions not stated): TOPMed 0.00002; ExAC 0.00002; gnomAD 0.00003; gnomAD exomes 0.00006.
gnomAD v4.1: 95 of 1,613,880 alleles (0.0059%); highest among the groups gnomAD compares: Non-Finnish European, 0.0078%; no homozygotes.

Submissions (3):

Ambry Genetics
Classification: Uncertain significance for Inborn genetic diseases. Last evaluated: 2025-10-22. Review status: criteria provided, single submitter. Criteria: Ambry Variant Classification Scheme 2023. Collection method: clinical testing. Allele origin: germline.

Fulgent Genetics
Classification: Likely benign for ADULT syndrome; Ankyloblepharon-ectodermal defects-cleft lip/palate syndrome; Rapp-Hodgkin syndrome; Limb-mammary syndrome; Ectrodactyly, ectodermal dysplasia, and cleft lip-palate syndrome 3; Split hand-foot malformation 4; Orofacial cleft 8; Premature ovarian failure 21. Last evaluated: 2024-01-20. Review status: criteria provided, single submitter. Criteria: ACMG Guidelines, 2015. Collection method: clinical testing. Allele origin: germline.

Labcorp Genetics (formerly Invitae), Labcorp
Classification: Uncertain significance. Last evaluated: 2023-10-22. Review status: criteria provided, single submitter. Criteria: Invitae Variant Classification Sherloc (09022015). Collection method: clinical testing. Allele origin: germline.
Comment: This sequence change replaces alanine, which is neutral and non-polar, with valine, which is neutral and non-polar, at codon 554 of the TP63 protein (p.Ala554Val). This variant is present in population databases (rs747808524, gnomAD 0.006%). This variant has not been reported in the literature in individuals affected with TP63-related conditions. Advanced modeling of protein sequence and biophysical properties (such as structural, functional, and spatial information, amino acid conservation, physicochemical variation, residue mobility, and thermodynamic stability) performed at Invitae indicates that this missense variant is expected to disrupt TP63 protein function. In summary, the available evidence is currently insufficient to determine the role of this variant in disease. Therefore, it has been classified as a Variant of Uncertain Significance.

NM_003722.5(TP63):c.1661C>T (p.Ala554Val)

Gene: TP63 (tumor protein p63; plus strand). Cytogenetic location: 3q28.
Variant type: single nucleotide variant.
Coding change: c.1661C>T on transcript NM_003722.5 (MANE Select); coding-DNA position 1661, C replaced by T.
Protein change: p.Ala554Val; replaces alanine 554 with valine.
Molecular consequence: missense variant. On other transcripts: intron variant (6).
Genome position (GRCh38, 1-based): chr3:189,890,797, C>T. VCF-style: chr3-189890797-C-T. GRCh37 (hg19) VCF-style: chr3-189608586-C-T.
Other names: c.1661C>T (NM_003722.4); c.1379C>T, p.Ala460Val (NM_001114980.2); c.1124C>T, p.Ala375Val (NM_001329146.2); c.1649C>T, p.Ala550Val (NM_001329148.2); c.1655C>T, p.Ala552Val (NM_001329964.2); c.1652+1313C>T (NM_001114978.2); c.1508-3409C>T (NM_001329144.2); c.1370+1313C>T (NM_001114981.2); and 3 more; short protein forms A554V, A460V, A552V, A375V, A550V.
Identifiers: ClinVar variation 2721206 (VCV002721206.4), dbSNP rs747808524, ClinGen allele CA2752549.